The following is an entry in ClinVar:

NM_000075.4(CDK4):c.646G>A (p.Gly216Arg)

Genes: CDK4 (cyclin dependent kinase 4; minus strand), TSPAN31 (tetraspanin 31; plus strand). Cytogenetic location: 12q14.1.
Variant type: single nucleotide variant.
Coding change: c.646G>A on transcript NM_000075.4 (MANE Select); coding-DNA position 646, G replaced by A.
Protein change: p.Gly216Arg; replaces glycine 216 with arginine.
Molecular consequence: missense variant. On other transcripts: 3 prime UTR variant (3).
Genome position (GRCh38, 1-based): chr12:57,749,491, C>T on the plus strand (G>A on the coding strand, the complement: CDK4 is on the minus strand). VCF-style: chr12-57749491-C-T. GRCh37 (hg19) VCF-style: chr12-58143274-C-T.
Other names: c.*2201C>T (NM_001330168.2, NM_001330169.2, NM_005981.5); short protein forms G216R.
Identifiers: ClinVar variation 1044287 (VCV001044287.8), dbSNP rs1955206422, ClinGen allele CA385544191.

ClinVar aggregate classification (germline): Uncertain significance (1 of 4 stars; one submission).

Conditions:
Familial melanoma. Also called: Hereditary melanoma; Hereditary cutaneous melanoma. Identifiers: Orphanet 618, MedGen C1512419, MONDO:0018961.

Allele frequency attached by ClinVar (database versions not stated): gnomAD exomes below 0.00001.
gnomAD v4.1: 2 of 1,614,168 alleles (0.00012%); highest among the groups gnomAD compares: African/African-American, 0.0013%; no homozygotes.

Submission:

Labcorp Genetics (formerly Invitae), Labcorp
Classification: Uncertain significance for Familial melanoma. Last evaluated: 2020-09-23. Review status: criteria provided, single submitter. Criteria: Invitae Variant Classification Sherloc (09022015). Collection method: clinical testing. Allele origin: germline.
Comment: In summary, the available evidence is currently insufficient to determine the role of this variant in disease. Therefore, it has been classified as a Variant of Uncertain Significance. Algorithms developed to predict the effect of sequence changes on RNA splicing suggest that this variant may create or strengthen a splice site, but this prediction has not been confirmed by published transcriptional studies. Advanced modeling of protein sequence and biophysical properties (such as structural, functional, and spatial information, amino acid conservation, physicochemical variation, residue mobility, and thermodynamic stability) performed at Invitae indicates that this missense variant is expected to disrupt CDK4 protein function. This variant has not been reported in the literature in individuals with CDK4-related conditions. This variant is not present in population databases (ExAC no frequency). This sequence change replaces glycine with arginine at codon 216 of the CDK4 protein (p.Gly216Arg). The glycine residue is highly conserved and there is a moderate physicochemical difference between glycine and arginine.